The following is an entry in ClinVar:

ClinVar aggregate classification (germline): Uncertain significance. Review status: criteria provided, multiple submitters, no conflicts (2 of 4 stars). 5 submissions from 5 submitters: Uncertain significance (5). Last evaluated 2026-01-05.

Conditions:
Ataxia-telangiectasia-like disorder (ATLD). Identifiers: MedGen C1858391, MONDO:0011457.
Hereditary cancer-predisposing syndrome. Also called: Neoplastic Syndromes, Hereditary; Tumor predisposition; Hereditary Cancer Syndrome; Hereditary neoplastic syndrome. Identifiers: Orphanet 140162, MedGen C0027672, MeSH D009386, MONDO:0015356.
Ataxia-telangiectasia-like disorder 1 (ATLD1). Identifiers: Orphanet 251347, MedGen C4012790, MONDO:0024557, OMIM 604391.

Allele frequency attached by ClinVar (database versions not stated): ExAC 0.00001; gnomAD 0.00001 and 0.00002; gnomAD exomes 0.00001 and 0.00002; TOPMed 0.00002.
gnomAD v4.1: 26 of 1,609,408 alleles (0.0016%); highest among the groups gnomAD compares: Non-Finnish European, 0.0018%; no homozygotes.

Submissions (5):

Labcorp Genetics (formerly Invitae), Labcorp
Classification: Uncertain significance for Ataxia-telangiectasia-like disorder. Last evaluated: 2026-01-05. Review status: criteria provided, single submitter. Criteria: Invitae Variant Classification Sherloc (09022015). Collection method: clinical testing. Allele origin: germline.
Comment: This sequence change replaces serine, which is neutral and polar, with arginine, which is basic and polar, at codon 221 of the MRE11 protein (p.Ser221Arg). This variant is present in population databases (rs587781272, gnomAD 0.005%). This variant has not been reported in the literature in individuals affected with MRE11-related conditions. ClinVar contains an entry for this variant (Variation ID: 140775). An algorithm developed to predict the effect of missense changes on protein structure and function (PolyPhen-2) suggests that this variant is likely to be disruptive. In summary, the available evidence is currently insufficient to determine the role of this variant in disease. Therefore, it has been classified as a Variant of Uncertain Significance.

Ambry Genetics
Classification: Uncertain significance for Hereditary cancer-predisposing syndrome. Last evaluated: 2025-07-09. Review status: criteria provided, single submitter. Criteria: Ambry Variant Classification Scheme 2023. Collection method: clinical testing. Allele origin: germline.
Comment: The p.S221R variant (also known as c.661A>C), located in coding exon 7 of the MRE11A gene, results from an A to C substitution at nucleotide position 661. The serine at codon 221 is replaced by arginine, an amino acid with dissimilar properties. This amino acid position is highly conserved in available vertebrate species. In addition, this alteration is predicted to be deleterious by in silico analysis. Since supporting evidence is limited at this time, the clinical significance of this alteration remains unclear.

Quest Diagnostics Nichols Institute San Juan Capistrano
Classification: Uncertain significance. Last evaluated: 2025-04-30. Review status: criteria provided, single submitter. Criteria: Quest Diagnostics criteria. Collection method: clinical testing. Allele origin: unknown.

Baylor Genetics
Classification: Uncertain significance for Ataxia-telangiectasia-like disorder 1. Last evaluated: 2024-02-06. Review status: criteria provided, single submitter. Criteria: ACMG Guidelines, 2015. Collection method: clinical testing. Allele origin: unknown.

Women's Health and Genetics/Laboratory Corporation of America, LabCorp
Classification: Uncertain significance. Last evaluated: 2023-08-04. Review status: criteria provided, single submitter. Criteria: LabCorp Variant Classification Summary - May 2015. Collection method: clinical testing. Allele origin: germline.
Comment: Variant summary: MRE11 c.661A>C (p.Ser221Arg) results in a non-conservative amino acid change located in the calcineurin-like phosphoesterase domain, ApaH type domain (IPR004843) of the encoded protein sequence. Four of five in-silico tools predict a damaging effect of the variant on protein function. The variant is located near a canonical splice site, but computational tools predict no significant impact on normal splicing. However, these predictions have yet to be confirmed by functional studies. The variant allele was found at a frequency of 2e-05 in 247966 control chromosomes (gnomAD). The available data on variant occurrences in the general population are insufficient to allow any conclusion about variant significance. To our knowledge, no occurrence of c.661A>C in individuals affected with Hereditary Breast And Ovarian Cancer Syndrome and no experimental evidence demonstrating its impact on protein function have been reported. Two submitters have cited clinical-significance assessments for this variant to ClinVar after 2014 and both classified the variant as uncertain significance. Based on the evidence outlined above, the variant was classified as uncertain significance.

NM_005591.4(MRE11):c.661A>C (p.Ser221Arg)

Gene: MRE11 (MRE11 double strand break repair nuclease; minus strand). Cytogenetic location: 11q21.
Variant type: single nucleotide variant.
Coding change: c.661A>C on transcript NM_005591.4 (MANE Select); coding-DNA position 661, A replaced by C.
Protein change: p.Ser221Arg; replaces serine 221 with arginine.
Molecular consequence: missense variant.
Genome position (GRCh38, 1-based): chr11:94,471,758, T>G on the plus strand (A>C on the coding strand, the complement: MRE11 is on the minus strand). VCF-style: chr11-94471758-T-G. GRCh37 (hg19) VCF-style: chr11-94204924-T-G.
Other names: c.661A>C, p.Ser221Arg (NM_001330347.2, NM_005590.4); short protein forms S221R.
Identifiers: ClinVar variation 140775 (VCV000140775.21), dbSNP rs587781272, ClinGen allele CA163532.